The following is an entry in ClinVar:

NM_016373.4(WWOX):c.410-296A>T

Gene: WWOX (WW domain containing oxidoreductase; plus strand). Cytogenetic location: 16q23.1.
Variant type: single nucleotide variant.
Coding change: c.410-296A>T on transcript NM_016373.4 (MANE Select); 296 bases into the intron before coding-DNA position 410, A replaced by T.
Molecular consequence: intron variant.
Genome position (GRCh38, 1-based): chr16:78,163,887, A>T. VCF-style: chr16-78163887-A-T. GRCh37 (hg19) VCF-style: chr16-78197784-A-T.
Other names: NC_000016.9:g.78197784A>T; c.71-296A>T (NM_001291997.2); c.410-296A>T (NM_130791.5).
Identifiers: ClinVar variation 668856 (VCV000668856.2), dbSNP rs62045116, ClinGen allele CA14252161.

ClinVar aggregate classification (germline): Benign (1 of 4 stars; one submission).

Allele frequency attached by ClinVar (database versions not stated): 1000 Genomes Project 30x 0.10915; 1000 Genomes Project 0.11542; gnomAD 0.13228 and 0.13247; TOPMed 0.13012.
gnomAD v4.1: 20,193 of 152,086 alleles (13%); highest among the groups gnomAD compares: East Asian, 22%; 1,571 homozygotes.

Submissions (3):

GeneDx
Classification: Benign. Last evaluated: 2018-06-18. Review status: criteria provided, single submitter. Criteria: GeneDx Variant Classification (06012015). Collection method: clinical testing. Allele origin: germline. Affected: yes.
Comment: This variant is considered likely benign or benign based on one or more of the following criteria: it is a conservative change, it occurs at a poorly conserved position in the protein, it is predicted to be benign by multiple in silico algorithms, and/or has population frequency not consistent with disease.

Dr. Peter K. Rogan Lab, Western University
No classification provided (evidence only). Condition: Uterine corpus endometrial carcinoma. Review status: no classification provided. Collection method: in vitro. Allele origin: not applicable. Functional consequence: retained intron. Not counted in ClinVar's aggregate classification.

Dr. Peter K. Rogan Lab, Western University
No classification provided (evidence only). Condition: Sarcoma. Review status: no classification provided. Collection method: in vitro. Allele origin: not applicable. Functional consequence: retained intron. Not counted in ClinVar's aggregate classification.